The following is an entry in ClinVar:

ClinVar aggregate classification (germline): Uncertain significance (1 of 4 stars; one submission).

Allele frequency attached by ClinVar (database versions not stated): gnomAD exomes below 0.00001; TOPMed below 0.00001.
gnomAD v4.1: 1 of 1,613,164 alleles (0.000062%); highest among the groups gnomAD compares: Non-Finnish European, 0.000085%; no homozygotes.

Submission:

Labcorp Genetics (formerly Invitae), Labcorp
Classification: Uncertain significance. Last evaluated: 2023-02-03. Review status: criteria provided, single submitter. Criteria: Invitae Variant Classification Sherloc (09022015). Collection method: clinical testing. Allele origin: germline.
Comment: In summary, the available evidence is currently insufficient to determine the role of this variant in disease. Therefore, it has been classified as a Variant of Uncertain Significance. This sequence change replaces methionine, which is neutral and non-polar, with threonine, which is neutral and polar, at codon 590 of the PDE6B protein (p.Met590Thr). This variant is not present in population databases (gnomAD no frequency). This missense change has been observed in individual(s) with clinical features of retinitis pigmentosa (Invitae). Advanced modeling of protein sequence and biophysical properties (such as structural, functional, and spatial information, amino acid conservation, physicochemical variation, residue mobility, and thermodynamic stability) performed at Invitae indicates that this missense variant is expected to disrupt PDE6B protein function.

NM_000283.4(PDE6B):c.1769T>C (p.Met590Thr)

Gene: PDE6B (phosphodiesterase 6B; plus strand). Cytogenetic location: 4p16.3.
Variant type: single nucleotide variant.
Coding change: c.1769T>C on transcript NM_000283.4 (MANE Select); coding-DNA position 1769, T replaced by C.
Protein change: p.Met590Thr; replaces methionine 590 with threonine.
Molecular consequence: missense variant.
Genome position (GRCh38, 1-based): chr4:662,555, T>C. VCF-style: chr4-662555-T-C. GRCh37 (hg19) VCF-style: chr4-656344-T-C.
Other names: c.1769T>C, p.Met590Thr (NM_001145291.2); c.932T>C, p.Met311Thr (NM_001145292.2, NM_001350154.3, NM_001379246.1 and 1 more transcripts); c.614T>C, p.Met205Thr (NM_001350155.3); short protein forms M205T, M590T, M311T.
Identifiers: ClinVar variation 2828769 (VCV002828769.3), dbSNP rs1737234138, ClinGen allele CA355917388.
Genomic context (GRCh38, chr4:662,555, plus strand): 5'-CCCTGTCTCTACAGACCGGCAAACTGAAGAGCTACTACACGGACCTGGAGGCCTTCGCCA[T>C]GGTGACAGCCGGCCTGTGCCATGACATCGACCACCGCGGCACCAACAACCTGTACCAGAT-3'
Protein context (NP_000274.3, residues 580-600): SYYTDLEAFA[Met590Thr]VTAGLCHDID